The following is an entry in ClinVar:

NM_001048174.2(MUTYH):c.1232T>C (p.Leu411Pro)

Gene: MUTYH (mutY DNA glycosylase; minus strand). Cytogenetic location: 1p34.1.
Variant type: single nucleotide variant.
Coding change: c.1232T>C on transcript NM_001048174.2 (MANE Select); coding-DNA position 1232, T replaced by C.
Protein change: p.Leu411Pro; replaces leucine 411 with proline.
Molecular consequence: missense variant. On other transcripts: non-coding transcript variant (2).
Genome position (GRCh38, 1-based): chr1:45,331,427, A>G on the plus strand (T>C on the coding strand, the complement: MUTYH is on the minus strand). VCF-style: chr1-45331427-A-G. GRCh37 (hg19) VCF-style: chr1-45797099-A-G.
Other names: c.1232T>C, p.Leu411Pro (NM_001048171.2, NM_001048173.2, NM_001293195.2); c.1235T>C, p.Leu412Pro (NM_001048172.2); c.1316T>C, p.Leu439Pro (NM_001128425.2); c.1277T>C, p.Leu426Pro (NM_001293190.2); c.1265T>C, p.Leu422Pro (NM_001293191.2); c.956T>C, p.Leu319Pro (NM_001293192.2, NM_001293196.2); c.887T>C, p.Leu296Pro (NM_001350650.2, NM_001350651.2); c.1307T>C, p.Leu436Pro (NM_012222.3); short protein forms L439P, L412P, L296P, L319P, L422P, L411P, L426P, L436P.
Identifiers: ClinVar variation 135984 (VCV000135984.24), dbSNP rs587780745, ClinGen allele CA012610.
Genomic context (GRCh38, chr1:45,331,427, plus strand): 5'-TGTGGATATAGCCTCAAAAGCCAACATCCTTGGCTATTCCGCTGCTCACTTACCTCCCCA[A>G]GGTGCCGGAGGTGCGTGGCTGGGAGGGGCCCAGCCCAACGCTGTAGTTCCTGCAGCAGGG-3'
Protein context (NP_001041639.1, residues 401-421): GPLPATHLRH[Leu411Pro]GEVVHTFSHI

ClinVar aggregate classification (germline): Conflicting classifications of pathogenicity. Review status: criteria provided, conflicting classifications (1 of 4 stars). 9 submissions from 9 submitters: Likely pathogenic (2); Uncertain significance (7). Last evaluated 2026-08-20.

Conditions:
Hereditary cancer-predisposing syndrome. Also called: Neoplastic Syndromes, Hereditary; Hereditary Cancer Syndrome; Tumor predisposition; Hereditary neoplastic syndrome. Identifiers: Orphanet 140162, MedGen C0027672, MeSH D009386, MONDO:0015356.
Familial adenomatous polyposis 2. Also called: COLORECTAL ADENOMATOUS POLYPOSIS, AUTOSOMAL RECESSIVE; ADENOMAS, MULTIPLE COLORECTAL, AUTOSOMAL RECESSIVE; MUTYH-associated polyposis; MUTYH-related attenuated familial adenomatous polyposis; FAP type 2; MYH-associated polyposis. Identifiers: Orphanet 220460, Orphanet 247798, MedGen C3272841, MONDO:0012041, OMIM 608456.

Allele frequency attached by ClinVar (database versions not stated): TOPMed below 0.00001; gnomAD exomes below 0.00001.

Submissions (9):

Myriad Genetics, Inc.
Classification: Likely pathogenic for Familial adenomatous polyposis 2. Last evaluated: 2026-08-20. Review status: criteria provided, single submitter. Criteria: Myriad Autosomal Dominant, Autosomal Recessive and X-Linked Classification Criteria (2023). Collection method: clinical testing. Allele origin: unknown.
Comment: This variant is considered likely pathogenic. This variant is expected to disrupt protein structure [Myriad internal data]. Functional studies indicate this variant impacts protein function [PMID: 40738107].

Labcorp Genetics (formerly Invitae), Labcorp
Classification: Uncertain significance for Familial adenomatous polyposis 2. Last evaluated: 2025-12-08. Review status: criteria provided, single submitter. Criteria: Invitae Variant Classification Sherloc (09022015). Collection method: clinical testing. Allele origin: germline.
Comment: This sequence change replaces leucine, which is neutral and non-polar, with proline, which is neutral and non-polar, at codon 439 of the MUTYH protein (p.Leu439Pro). This variant is present in population databases (rs587780745, gnomAD 0.0009%). This missense change has been observed in individual(s) with clinical features of MUTYH-related polyposis (PMID: 21520333; internal data). In at least one individual the data is consistent with being in trans (on the opposite chromosome) from a pathogenic variant. ClinVar contains an entry for this variant (Variation ID: 135984). An algorithm developed to predict the effect of missense changes on protein structure and function (PolyPhen-2) suggests that this variant is likely to be disruptive. In summary, the available evidence is currently insufficient to determine the role of this variant in disease. Therefore, it has been classified as a Variant of Uncertain Significance.

Ambry Genetics
Classification: Likely pathogenic for Hereditary cancer-predisposing syndrome. Last evaluated: 2025-08-15. Review status: criteria provided, single submitter. Criteria: Ambry Variant Classification Scheme 2023. Collection method: clinical testing. Allele origin: germline.
Comment: The p.L439P variant (also known as c.1316T>C), located in coding exon 13 of the MUTYH gene, results from a T to C substitution at nucleotide position 1316. The leucine at codon 439 is replaced by proline, an amino acid with similar properties. In a massively parallel cell-based functional assay testing 7,8-dihydro-8-oxoguanine:adenine (8OG:A) repair activity, a byproduct of oxidative damage, this variant was reported to be non-functional (Hemker SL et al. Am J Hum Genet. Published online July 29, 2025. DOI: 10.1016/j.ajhg.2025.07.005). This amino acid position is well conserved in available vertebrate species. In addition, this alteration is predicted to be deleterious by in silico analysis. This variant is considered to be rare based on population cohorts in the Genome Aggregation Database (gnomAD). Based on the majority of available evidence to date, this variant is likely to be pathogenic.

Women's Health and Genetics/Laboratory Corporation of America, LabCorp
Classification: Uncertain significance. Last evaluated: 2024-05-02. Review status: criteria provided, single submitter. Criteria: LabCorp Variant Classification Summary - May 2015. Collection method: clinical testing. Allele origin: germline.
Comment: Variant summary: MUTYH c.1316T>C (p.Leu439Pro) results in a non-conservative amino acid change located in the NUDIX hydrolase domain (IPR000086) of the encoded protein sequence. Five of five in-silico tools predict a damaging effect of the variant on protein function. The variant was absent in 251366 control chromosomes. The available data on variant occurrences in the general population are insufficient to allow any conclusion about variant significance. c.1316T>C has been reported in the literature in an individual affected with Breast Cancer (Akcay_2020). These report(s) do not provide unequivocal conclusions about association of the variant with MUTYH-Associated Polyposis. To our knowledge, no experimental evidence demonstrating an impact on protein function has been reported. The following publication have been ascertained in the context of this evaluation (PMID: 32658311). ClinVar contains an entry for this variant (Variation ID: 135984). Based on the evidence outlined above, the variant was classified as uncertain significance.

All of Us Research Program, National Institutes of Health
Classification: Uncertain significance for Familial adenomatous polyposis 2. Last evaluated: 2024-03-05. Review status: criteria provided, single submitter. Criteria: ACMG Guidelines, 2015. Collection method: clinical testing. Allele origin: germline. Inheritance: Autosomal recessive inheritance. Observed: 1 variant allele, 1 heterozygote.
Comment: This study involves interpretation of variants in research participants for the purpose of population health screening. Participant phenotype was not available at the time of variant classification. Additional details can be found in publication PMID: 35346344, PMCID: PMC8962531

Baylor Genetics
Classification: Uncertain significance for Familial adenomatous polyposis 2. Last evaluated: 2023-11-30. Review status: criteria provided, single submitter. Criteria: ACMG Guidelines, 2015. Collection method: clinical testing. Allele origin: unknown.

Quest Diagnostics Nichols Institute San Juan Capistrano
Classification: Uncertain significance. Last evaluated: 2023-03-02. Review status: criteria provided, single submitter. Criteria: Quest Diagnostics criteria. Collection method: clinical testing. Allele origin: unknown.
Comment: It has not been reported in large, multi-ethnic general populations. In the published literature, the variant has been reported in an affected individual with breast cancer as well as in a control individual in a large scale breast cancer association study (PMID: 33471991 (2021), see also LOVD). Analysis of this variant using bioinformatics tools for the prediction of the effect of amino acid changes on protein structure and function yielded conflicting predictions that this variant is deleterious or benign. Based on the available information, we are unable to determine the clinical significance of this variant.

GeneDx
Classification: Uncertain significance. Last evaluated: 2022-11-28. Review status: criteria provided, single submitter. Criteria: GeneDx Variant Classification Process June 2021. Collection method: clinical testing. Allele origin: germline. Affected: yes.
Comment: Not observed in large population cohorts (gnomAD); In silico analysis, which includes protein predictors and evolutionary conservation, supports a deleterious effect; Observed in both cases and controls in a case-control study of hereditary breast cancer (Dorling et al. 2021); This variant is associated with the following publications: (PMID: 23108399, 33471991)

Sema4
Classification: Uncertain significance for Hereditary cancer-predisposing syndrome. Last evaluated: 2021-11-13. Review status: criteria provided, single submitter. Criteria: Sema4 Curation Guidelines. Collection method: curation. Allele origin: germline.
Comment: The MUTYH c.1316T>C (p.L439P) variant has been reported in 1/60466 breast cancer cases and 1/53461 healthy controls by a large case-control study (PMID: 33471991). This variant is not reported in the population database Genome Aggregation Database (PMID: 32461654), but has been reported in ClinVar (Variation ID: 135984). In silico tools suggest the impact of the variant on protein function is deleterious, though these predictions have not been confirmed by functional studies. Based on the current evidence available, this variant is interpreted as a variant of uncertain significance.

Literature cited by the submitters: PubMed 40738107 (cited by Myriad Genetics, Inc. and Ambry Genetics); PubMed 21520333 (cited by Labcorp Genetics (formerly Invitae), Labcorp); PubMed 32658311 (cited by Women's Health and Genetics/Laboratory Corporation of America, LabCorp); PubMed 33471991 (cited by Quest Diagnostics Nichols Institute San Juan Capistrano and Sema4).